The following is an entry in ClinVar:

ClinVar aggregate classification (germline): Uncertain significance (1 of 4 stars; one submission).

Submission:

Labcorp Genetics (formerly Invitae), Labcorp
Classification: Uncertain significance. Last evaluated: 2020-02-05. Review status: criteria provided, single submitter. Criteria: Invitae Variant Classification Sherloc (09022015). Collection method: clinical testing. Allele origin: germline.
Comment: In summary, the available evidence is currently insufficient to determine the role of this variant in disease. Therefore, it has been classified as a Variant of Uncertain Significance. The current clinical and genetic evidence is not sufficient to establish whether loss-of-function variants in GALNT12 cause disease. Algorithms developed to predict the effect of sequence changes on RNA splicing suggest that this variant may create or strengthen a splice site, but this prediction has not been confirmed by published transcriptional studies. This variant has not been reported in the literature in individuals with GALNT12-related conditions. This variant is not present in population databases (ExAC no frequency). This sequence change creates a premature translational stop signal (p.Ile245Serfs*12) in the GALNT12 gene. It is expected to result in an absent or disrupted protein product.

NC_000009.12:g.98831772del

Gene: GALNT12 (polypeptide N-acetylgalactosaminyltransferase 12; plus strand). Cytogenetic location: 9q22.33.
Variant type: Deletion.
Genome position: GRCh38 VCF-style: chr9-98831770-AG-A. GRCh37 (hg19) VCF-style: chr9-101594052-AG-A.
Identifiers: ClinVar variation 1001914 (VCV001001914.7), dbSNP rs1836001667, ClinGen allele CA1867103728.